The following is an entry in ClinVar:

ClinVar aggregate classification (germline): Uncertain significance (1 of 4 stars; one submission).

Conditions:
Inborn genetic diseases. Identifiers: MedGen C0950123, MeSH D030342.

Submission:

Ambry Genetics
Classification: Uncertain significance for Inborn genetic diseases. Last evaluated: 2023-05-11. Review status: criteria provided, single submitter. Criteria: Ambry Variant Classification Scheme 2023. Collection method: clinical testing. Allele origin: germline.
Comment: The p.S2411P variant (also known as c.7231T>C), located in coding exon 49 of the LRRK2 gene, results from a T to C substitution at nucleotide position 7231. The serine at codon 2411 is replaced by proline, an amino acid with similar properties. This amino acid position is conserved. In addition, this alteration is predicted to be tolerated by in silico analysis. Since supporting evidence is limited at this time, the clinical significance of this alteration remains unclear.

NM_198578.4(LRRK2):c.7231T>C (p.Ser2411Pro)

Gene: LRRK2 (leucine rich repeat kinase 2; plus strand). Cytogenetic location: 12q12.
Variant type: single nucleotide variant.
Coding change: c.7231T>C on transcript NM_198578.4 (MANE Select); coding-DNA position 7231, T replaced by C.
Protein change: p.Ser2411Pro; replaces serine 2411 with proline.
Molecular consequence: missense variant.
Genome position (GRCh38, 1-based): chr12:40,364,891, T>C. VCF-style: chr12-40364891-T-C. GRCh37 (hg19) VCF-style: chr12-40758693-T-C.
Other names: short protein forms S2411P.
Identifiers: ClinVar variation 2562438 (VCV002562438.2), dbSNP rs2500037422, ClinGen allele CA384414678.